The following is an entry in ClinVar:

ClinVar aggregate classification (germline): Uncertain significance. Review status: criteria provided, multiple submitters, no conflicts (2 of 4 stars). 4 submissions from 4 submitters: Uncertain significance (4). Last evaluated 2024-05-20.

Conditions:
Myoclonic epilepsy, juvenile, susceptibility to, 1. Also called: Myoclonic Epilepsy, Juvenile, 1; EJM1. Identifiers: MedGen C1850778, MONDO:0020752, OMIM 254770.
Absence seizure. Also called: Absence epilepsy. Identifiers: Orphanet 1941, MedGen C0014553.
Juvenile myoclonic epilepsy (EJM). Also called: JANZ SYNDROME; PETIT MAL, IMPULSIVE. Identifiers: Orphanet 307, MedGen C0270853, MONDO:0009696.

Allele frequency attached by ClinVar (database versions not stated): gnomAD exomes 0.00002 and 0.00004; ExAC 0.00004; ESP Exome Variant Server 0.00008; gnomAD 0.00017 and 0.00019; TOPMed 0.00017; 1000 Genomes Project 0.00020; 1000 Genomes Project 30x 0.00031.
gnomAD v4.1: 51 of 1,614,122 alleles (0.0032%); highest among the groups gnomAD compares: African/African-American, 0.061%; no homozygotes.

Submissions (4):

Ambry Genetics
Classification: Uncertain significance. Last evaluated: 2024-05-20. Review status: criteria provided, single submitter. Criteria: Ambry Variant Classification Scheme 2023. Collection method: clinical testing. Allele origin: germline.

Labcorp Genetics (formerly Invitae), Labcorp
Classification: Uncertain significance for Myoclonic epilepsy, juvenile, susceptibility to, 1; Absence seizure. Last evaluated: 2024-02-17. Review status: criteria provided, single submitter. Criteria: Invitae Variant Classification Sherloc (09022015). Collection method: clinical testing. Allele origin: germline.
Comment: This sequence change replaces asparagine, which is neutral and polar, with serine, which is neutral and polar, at codon 304 of the EFHC1 protein (p.Asn304Ser). This variant is present in population databases (rs142107827, gnomAD 0.05%). This variant has not been reported in the literature in individuals affected with EFHC1-related conditions. ClinVar contains an entry for this variant (Variation ID: 205393). Advanced modeling of protein sequence and biophysical properties (such as structural, functional, and spatial information, amino acid conservation, physicochemical variation, residue mobility, and thermodynamic stability) performed at Invitae indicates that this missense variant is not expected to disrupt EFHC1 protein function with a negative predictive value of 80%. In summary, the available evidence is currently insufficient to determine the role of this variant in disease. Therefore, it has been classified as a Variant of Uncertain Significance.

Fulgent Genetics
Classification: Uncertain significance for Myoclonic epilepsy, juvenile, susceptibility to, 1; Epilepsy, juvenile absence, susceptibility to, 1. Last evaluated: 2018-10-31. Review status: criteria provided, single submitter. Criteria: ACMG Guidelines, 2015. Collection method: clinical testing. Allele origin: unknown.

GeneDx
Classification: Uncertain significance. Last evaluated: 2016-11-25. Review status: criteria provided, single submitter. Criteria: GeneDx Variant Classification (06012015). Collection method: clinical testing. Allele origin: germline. Affected: yes.
Comment: The N304S variant has not been published as a mutation, nor has it been reported as a benign polymorphism to our knowledge. The N304S variant was not observed with any significant frequency in approximately 6,500 individuals of European and African American ancestry in the NHLBI Exome Sequencing Project. The N304S variant is a conservative amino acid substitution, which is not likely to impact secondary protein structure as these residues share similar properties. This substitution occurs at a position that is not conserved across species. In silico analysis predicts this variant likely does not alter the protein structure/function.

NM_018100.4(EFHC1):c.911A>G (p.Asn304Ser)

Gene: EFHC1 (EF-hand domain containing 1; plus strand). Cytogenetic location: 6p12.2.
Variant type: single nucleotide variant.
Coding change: c.911A>G on transcript NM_018100.4 (MANE Select); coding-DNA position 911, A replaced by G.
Protein change: p.Asn304Ser; replaces asparagine 304 with serine.
Molecular consequence: missense variant. On other transcripts: non-coding transcript variant (1).
Genome position (GRCh38, 1-based): chr6:52,454,282, A>G. VCF-style: chr6-52454282-A-G. GRCh37 (hg19) VCF-style: chr6-52319080-A-G.
Other names: p.N304S:AAT>AGT; c.854A>G, p.Asn285Ser (NM_001172420.2); short protein forms N304S, N285S.
Identifiers: ClinVar variation 205393 (VCV000205393.15), dbSNP rs142107827, ClinGen allele CA314422.